The following is an entry in ClinVar:

ClinVar aggregate classification (germline): Uncertain significance. Review status: criteria provided, multiple submitters, no conflicts (2 of 4 stars). 3 submissions from 3 submitters: Uncertain significance (2). 1 of the submissions does not count toward it. Last evaluated 2026-01-31.

Conditions:
Duchenne muscular dystrophy (DMD). Also called: MUSCULAR DYSTROPHY, PSEUDOHYPERTROPHIC PROGRESSIVE, DUCHENNE TYPE; Duchenne Muscular Dystrophy (DMD). Identifiers: Orphanet 98896, MedGen C0013264, MONDO:0010679, OMIM 310200.
Dystrophin deficiency.
Becker muscular dystrophy (BMD). Also called: MUSCULAR DYSTROPHY, PSEUDOHYPERTROPHIC PROGRESSIVE, BECKER TYPE; Becker Muscular Dystrophy (BMD). Identifiers: Orphanet 98895, MedGen C0917713, MONDO:0010311, OMIM 300376.
Cardiomyopathy (CMYO). Also called: Cardiomyopathies. Identifiers: Orphanet 167848, MedGen C0878544, MONDO:0004994, HP:0001638. Inheritance: Various modes of inheritance.

Allele frequency attached by ClinVar (database versions not stated): gnomAD exomes 0.00001; ExAC 0.00002; gnomAD 0.00002; TOPMed 0.00003.
gnomAD v4.1: 6 of 1,203,105 alleles (0.0005%); highest among the groups gnomAD compares: East Asian, 0.018%; no homozygotes.

Submissions (3):

Labcorp Genetics (formerly Invitae), Labcorp
Classification: Uncertain significance for Duchenne muscular dystrophy. Last evaluated: 2026-01-31. Review status: criteria provided, single submitter. Criteria: Invitae Variant Classification Sherloc (09022015). Collection method: clinical testing. Allele origin: germline.
Comment: This sequence change replaces alanine, which is neutral and non-polar, with proline, which is neutral and non-polar, at codon 771 of the DMD protein (p.Ala771Pro). This variant is not present in population databases (gnomAD no frequency). This variant has not been reported in the literature in individuals affected with DMD-related conditions. ClinVar contains an entry for this variant (Variation ID: 968987). Invitae Evidence Modeling of protein sequence and biophysical properties (such as structural, functional, and spatial information, amino acid conservation, physicochemical variation, residue mobility, and thermodynamic stability) indicates that this missense variant is not expected to disrupt DMD protein function with a negative predictive value of 95%. In summary, the available evidence is currently insufficient to determine the role of this variant in disease. Therefore, it has been classified as a Variant of Uncertain Significance.

Athena Diagnostics
Classification: Uncertain significance. Last evaluated: 2021-06-01. Review status: criteria provided, single submitter. Criteria: Athena Diagnostics Criteria. Collection method: clinical testing. Allele origin: unknown.

Natera, Inc.
Classification: Uncertain significance for Becker muscular dystrophy; Cardiomyopathy; Duchenne muscular dystrophy; Dystrophin deficiency. Last evaluated: 2020-01-24. Review status: no assertion criteria provided. Collection method: clinical testing. Allele origin: germline. Not counted in ClinVar's aggregate classification.

NM_004006.3(DMD):c.2311G>C (p.Ala771Pro)

Gene: DMD (dystrophin; minus strand). Cytogenetic location: Xp21.1.
Variant type: single nucleotide variant.
Coding change: c.2311G>C on transcript NM_004006.3 (MANE Select); coding-DNA position 2311, G replaced by C.
Protein change: p.Ala771Pro; replaces alanine 771 with proline.
Molecular consequence: missense variant.
Genome position (GRCh38, 1-based): chrX:32,501,824, C>G on the plus strand (G>C on the coding strand, the complement: DMD is on the minus strand). VCF-style: chrX-32501824-C-G. GRCh37 (hg19) VCF-style: chrX-32519941-C-G.
Other names: c.2287G>C, p.Ala763Pro (NM_000109.4); c.2299G>C, p.Ala767Pro (NM_004009.3); c.1942G>C, p.Ala648Pro (NM_004010.3); short protein forms A763P, A648P, A767P, A771P.
Identifiers: ClinVar variation 968987 (VCV000968987.18), dbSNP rs776275581, ClinGen allele CA10379557.
Genomic context (GRCh38, chrX:32,501,824, plus strand): 5'-TCTGTTCCACCAGGGCCTGAGCTGATCTGCTGGCATCTTGCAGTTTTCTGAACTTCTCAG[C>G]TTTTTCTCGCTCTATGGCCTGCAGCATGAGAGCAAAGATGAGTAATTCAATACAAGGACT-3'
Protein context (NP_003997.2, residues 761-781): EKVNAIEREK[Ala771Pro]EKFRKLQDAS